The following is an entry in ClinVar:

ClinVar aggregate classification (germline): Pathogenic (1 of 4 stars; one submission).

Conditions:
X-linked Alport syndrome (ATS1). Also called: NEPHROPATHY AND DEAFNESS, X-LINKED; COL4A5-Related Nephropathy. Identifiers: Orphanet 63, Orphanet 88917, MedGen C4746986, MONDO:0010520, OMIM 301050.

Submission:

Myriad Genetics, Inc.
Classification: Pathogenic for X-linked Alport syndrome. Last evaluated: 2023-09-09. Review status: criteria provided, single submitter. Criteria: Myriad Autosomal Dominant, Autosomal Recessive and X-Linked Classification Criteria (2023). Collection method: clinical testing. Allele origin: unknown.
Comment: NM_000495.4(COL4A5):c.605T>A(L202*) is expected to be pathogenic in the context of X-linked Alport syndrome. This variant is predicted to lead to an abnormal or absent protein product due to the creation of a premature termination codon in COL4A5, a gene where loss-of-function variants are known to be pathogenic. Please note: this variant was assessed in the context of healthy population screening.

NM_033380.3(COL4A5):c.605T>A (p.Leu202Ter)

Gene: COL4A5 (collagen type IV alpha 5 chain; plus strand). Cytogenetic location: Xq22.3.
Variant type: single nucleotide variant.
Coding change: c.605T>A on transcript NM_033380.3 (MANE Select); coding-DNA position 605, T replaced by A.
Protein change: p.Leu202Ter; replaces leucine 202 with a stop codon.
Molecular consequence: nonsense.
Genome position (GRCh38, 1-based): chrX:108,575,968, T>A. VCF-style: chrX-108575968-T-A. GRCh37 (hg19) VCF-style: chrX-107819198-T-A.
Other names: c.605T>A, p.Leu202Ter (NM_000495.5); short protein forms L202*.
Identifiers: ClinVar variation 5011620 (VCV005011620.1).